The following is an entry in ClinVar:

ClinVar aggregate classification (germline): Uncertain significance. Review status: criteria provided, multiple submitters, no conflicts (2 of 4 stars). 2 submissions from 2 submitters: Uncertain significance (2). Last evaluated 2025-02-10.

Conditions:
Hereditary cancer-predisposing syndrome. Also called: Neoplastic Syndromes, Hereditary; Hereditary Cancer Syndrome; Hereditary neoplastic syndrome; Tumor predisposition. Identifiers: Orphanet 140162, MedGen C0027672, MeSH D009386, MONDO:0015356.
Peutz-Jeghers syndrome (PJS). Also called: POLYPOSIS, HAMARTOMATOUS INTESTINAL; POLYPS-AND-SPOTS SYNDROME; Peutz-Jeghers polyposis; Periorificial lentiginosis syndrome. Identifiers: Orphanet 2869, MedGen C0031269, MeSH D010580, MONDO:0008280, OMIM 175200.

Submissions (2):

Labcorp Genetics (formerly Invitae), Labcorp
Classification: Uncertain significance for Peutz-Jeghers syndrome. Last evaluated: 2025-02-10. Review status: criteria provided, single submitter. Criteria: Invitae Variant Classification Sherloc (09022015). Collection method: clinical testing. Allele origin: germline.
Comment: This sequence change replaces arginine, which is basic and polar, with leucine, which is neutral and non-polar, at codon 331 of the STK11 protein (p.Arg331Leu). This variant is not present in population databases (gnomAD no frequency). This variant has not been reported in the literature in individuals affected with STK11-related conditions. ClinVar contains an entry for this variant (Variation ID: 643198). Invitae Evidence Modeling of protein sequence and biophysical properties (such as structural, functional, and spatial information, amino acid conservation, physicochemical variation, residue mobility, and thermodynamic stability) indicates that this missense variant is not expected to disrupt STK11 protein function with a negative predictive value of 95%. In summary, the available evidence is currently insufficient to determine the role of this variant in disease. Therefore, it has been classified as a Variant of Uncertain Significance.

Ambry Genetics
Classification: Uncertain significance for Hereditary cancer-predisposing syndrome. Last evaluated: 2021-10-19. Review status: criteria provided, single submitter. Criteria: Ambry Variant Classification Scheme 2023. Collection method: clinical testing. Allele origin: germline.
Comment: The p.R331L variant (also known as c.992G>T), located in coding exon 8 of the STK11 gene, results from a G to T substitution at nucleotide position 992. The arginine at codon 331 is replaced by leucine, an amino acid with dissimilar properties. This amino acid position is not well conserved in available vertebrate species. In addition, this alteration is predicted to be tolerated by in silico analysis. Since supporting evidence is limited at this time, the clinical significance of this alteration remains unclear.

NM_000455.5(STK11):c.992G>T (p.Arg331Leu)

Genes: STK11 (serine/threonine kinase 11; plus strand), LOC130062899 (ATAC-STARR-seq lymphoblastoid active region 13597; plus strand). Cytogenetic location: 19p13.3.
Variant type: single nucleotide variant.
Coding change: c.992G>T on transcript NM_000455.5 (MANE Select); coding-DNA position 992, G replaced by T.
Protein change: p.Arg331Leu; replaces arginine 331 with leucine.
Molecular consequence: missense variant.
Genome position (GRCh38, 1-based): chr19:1,223,056, G>T. VCF-style: chr19-1223056-G-T. GRCh37 (hg19) VCF-style: chr19-1223055-G-T.
Other names: short protein forms R331L.
Identifiers: ClinVar variation 643198 (VCV000643198.8), dbSNP rs371264852, ClinGen allele CA402951640.